The following is an entry in ClinVar:

ClinVar aggregate classification (germline): Uncertain significance (1 of 4 stars; one submission).

Conditions:
Progressive microcephaly-seizures-cortical blindness-developmental delay syndrome. Also called: Seizures, cortical blindness, and microcephaly syndrome. Identifiers: Orphanet 477814, MedGen C5567650, MONDO:0014714, OMIM 616632.
Autosomal dominant nonsyndromic hearing loss 1. Also called: KONIGSMARK SYNDROME; DEAFNESS, AUTOSOMAL DOMINANT 1, WITH OR WITHOUT THROMBOCYTOPENIA. Identifiers: Orphanet 90635, MedGen C1852282, MONDO:0007424, OMIM 124900.

gnomAD v4.1: 1 of 1,518,720 alleles (0.000066%); highest among the groups gnomAD compares: Non-Finnish European, 0.000089%; no homozygotes.

Submission:

Labcorp Genetics (formerly Invitae), Labcorp
Classification: Uncertain significance for Progressive microcephaly-seizures-cortical blindness-developmental delay syndrome; Autosomal dominant nonsyndromic hearing loss 1. Last evaluated: 2022-09-01. Review status: criteria provided, single submitter. Criteria: Invitae Variant Classification Sherloc (09022015). Collection method: clinical testing. Allele origin: germline.
Comment: In summary, the available evidence is currently insufficient to determine the role of this variant in disease. Therefore, it has been classified as a Variant of Uncertain Significance. Algorithms developed to predict the effect of missense changes on protein structure and function are either unavailable or do not agree on the potential impact of this missense change (SIFT: "Deleterious"; PolyPhen-2: "Not Available"; Align-GVGD: "Class C0"). This variant has not been reported in the literature in individuals affected with DIAPH1-related conditions. This variant is not present in population databases (gnomAD no frequency). This sequence change replaces proline, which is neutral and non-polar, with arginine, which is basic and polar, at codon 679 of the DIAPH1 protein (p.Pro679Arg).

NM_005219.5(DIAPH1):c.2036C>G (p.Pro679Arg)

Gene: DIAPH1 (diaphanous related formin 1; minus strand). Cytogenetic location: 5q31.3.
Variant type: single nucleotide variant.
Coding change: c.2036C>G on transcript NM_005219.5 (MANE Select); coding-DNA position 2036, C replaced by G.
Protein change: p.Pro679Arg; replaces proline 679 with arginine.
Molecular consequence: missense variant.
Genome position (GRCh38, 1-based): chr5:141,573,814, G>C on the plus strand (C>G on the coding strand, the complement: DIAPH1 is on the minus strand). VCF-style: chr5-141573814-G-C. GRCh37 (hg19) VCF-style: chr5-140953381-G-C.
Other names: c.2009C>G, p.Pro670Arg (NM_001079812.3); c.2036C>G, p.Pro679Arg (NM_001314007.2); short protein forms P670R, P679R.
Identifiers: ClinVar variation 1718606 (VCV001718606.6), dbSNP rs768743097, ClinGen allele CA361518912.